The following is an entry in ClinVar:

NM_001367479.1(DNAH14):c.13639-2del

Gene: DNAH14 (dynein axonemal heavy chain 14; plus strand). Cytogenetic location: 1q42.12.
Variant type: Deletion.
Coding change: c.13639-2del on transcript NM_001367479.1 (MANE Select); the canonical splice acceptor site of the intron before coding-DNA position 13639, one base deleted (A; older notation c.13639-2delA).
Molecular consequence: splice acceptor variant.
Genome position (GRCh38, 1-based): chr1:225,399,052, A deleted; the last of 3 consecutive A bases (chr1:225,399,050-225,399,052); deleting any one gives the same sequence. VCF-style (leftmost placement, unchanged base first): chr1-225399049-TA-T. GRCh37 (hg19) VCF-style: chr1-225586751-TA-T.
Identifiers: ClinVar variation 3342806 (VCV003342806.1).

ClinVar aggregate classification (germline): Uncertain significance (1 of 4 stars; one submission).

Submission:

GeneDx
Classification: Uncertain significance. Last evaluated: 2024-02-14. Review status: criteria provided, single submitter. Criteria: GeneDx Variant Classification Process June 2021. Collection method: clinical testing. Allele origin: germline. Affected: yes.
Comment: In silico analysis supports that this variant does not alter splicing; Has not been previously published as pathogenic or benign to our knowledge